The following is an entry in ClinVar:

ClinVar aggregate classification (germline): Uncertain significance. Review status: criteria provided, multiple submitters, no conflicts (2 of 4 stars). 2 submissions from 2 submitters: Uncertain significance (2). Last evaluated 2026-07-01.

gnomAD v4.1: 18 of 1,613,726 alleles (0.0011%); highest among the groups gnomAD compares: African/African-American, 0.0027%; no homozygotes.

Submissions (2):

CeGaT Center for Human Genetics Tuebingen
Classification: Uncertain significance. Last evaluated: 2026-07-01. Review status: criteria provided, single submitter. Criteria: CeGaT Center For Human Genetics Tuebingen Variant Classification Criteria Version 2. Collection method: clinical testing. Allele origin: germline. Affected: yes. Observed: 1 variant allele.
Comment: LARGE1: PM2

Revvity Omics, Revvity
Classification: Uncertain significance. Last evaluated: 2023-12-27. Review status: criteria provided, single submitter. Criteria: ACMG Guidelines, 2015. Collection method: clinical testing. Allele origin: germline.

NM_133642.5(LARGE1):c.25C>T (p.Arg9Trp)

Gene: LARGE1 (LARGE xylosyl- and glucuronyltransferase 1; minus strand). Cytogenetic location: 22q12.3.
Variant type: single nucleotide variant.
Coding change: c.25C>T on transcript NM_133642.5 (MANE Select); coding-DNA position 25, C replaced by T.
Protein change: p.Arg9Trp; replaces arginine 9 with tryptophan.
Molecular consequence: missense variant.
Genome position (GRCh38, 1-based): chr22:33,761,452, G>A on the plus strand (C>T on the coding strand, the complement: LARGE1 is on the minus strand). VCF-style: chr22-33761452-G-A. GRCh37 (hg19) VCF-style: chr22-34157439-G-A.
Other names: c.25C>T, p.Arg9Trp (NM_001362949.2, NM_001362951.2, NM_001362953.2 and 7 more transcripts); short protein forms R9W.
Identifiers: ClinVar variation 4079184 (VCV004079184.2).
Genomic context (GRCh38, chr22:33,761,452, plus strand): 5'-GGTAAATCCAGGTGATGGCTGGGATGCAGAGAAGACTCAACGAGGCAGCCAAGAATTTCC[G>A]TCTCCCCCTGCAGATTCCCAGCATCCTCTCAGAAGTGGCAATCCCTAATCCCAGCGCCGT-3'
Protein context (NP_598397.1, residues 1-19): MLGICRGR[Arg9Trp]KFLAASLSLL